The following is an entry in ClinVar:

NM_000289.6(PFKM):c.2085C>G (p.Tyr695Ter)

Gene: PFKM (phosphofructokinase, muscle; plus strand). Cytogenetic location: 12q13.11.
Variant type: single nucleotide variant.
Coding change: c.2085C>G on transcript NM_000289.6 (MANE Select); coding-DNA position 2085, C replaced by G.
Protein change: p.Tyr695Ter; replaces tyrosine 695 with a stop codon.
Molecular consequence: nonsense. On other transcripts: non-coding transcript variant (6).
Genome position (GRCh38, 1-based): chr12:48,145,123, C>G. VCF-style: chr12-48145123-C-G. GRCh37 (hg19) VCF-style: chr12-48538906-C-G.
Other names: c.2298C>G, p.Tyr766Ter (NM_001166686.2, NM_001354737.1, NM_001354738.1 and 1 more transcripts); c.2085C>G, p.Tyr695Ter (NM_001166687.2, NM_001166688.2, NM_001354742.2 and 2 more transcripts); c.2394C>G, p.Tyr798Ter (NM_001354735.1, NM_001354736.1); c.2229C>G, p.Tyr743Ter (NM_001354740.1); c.2109C>G, p.Tyr703Ter (NM_001354741.2); c.1998C>G, p.Tyr666Ter (NM_001354745.2); c.1959C>G, p.Tyr653Ter (NM_001354746.2); c.1935C>G, p.Tyr645Ter (NM_001354747.2, NM_001354748.2); and 2 more; short protein forms Y645*, Y653*, Y664*, Y666*, Y695*, Y703*, Y735*, Y743*.
Identifiers: ClinVar variation 5012627 (VCV005012627.1).
Genomic context (GRCh38, chr12:48,145,123, plus strand): 5'-TGCCACTAAGATGGGCGCCAAGGCTATGAACTGGATGTCTGGGAAAATCAAAGAGAGTTA[C>G]CGTAATGGTAGGTGGGGTGAGAGCGAGTGCCCTCTATAGAGGCTGGTTCCCCAGTATAGA-3'

ClinVar aggregate classification (germline): Pathogenic (1 of 4 stars; one submission).

Conditions:
Glycogen storage disease, type VII (GSD7). Also called: GSD VII; MUSCLE PHOSPHOFRUCTOKINASE DEFICIENCY; PFKM DEFICIENCY; TARUI DISEASE. Identifiers: Orphanet 371, MedGen C0017926, MONDO:0009295, OMIM 232800.

Submission:

Myriad Genetics, Inc.
Classification: Pathogenic for Glycogen storage disease, type VII. Last evaluated: 2024-01-02. Review status: criteria provided, single submitter. Criteria: Myriad Autosomal Dominant, Autosomal Recessive and X-Linked Classification Criteria (2023). Collection method: clinical testing. Allele origin: unknown.
Comment: NM_001166686.1(PFKM):c.2298C>G(Y766*) is expected to be pathogenic in the context of glycogen storage disease, PFKM-related. This variant is predicted to lead to an abnormal or absent protein product due to the creation of a premature termination codon in PFKM, a gene where loss-of-function variants are known to be pathogenic. Please note: this variant was assessed in the context of healthy population screening.